The following is an entry in ClinVar:

ClinVar aggregate classification (germline): Pathogenic (1 of 4 stars; one submission).

Conditions:
Developmental and epileptic encephalopathy, 29 (DEE29). Also called: Epileptic encephalopathy, early infantile, 29. Identifiers: Orphanet 442835, MedGen C4225361, MONDO:0014593, OMIM 616339.

Submission:

Women's Health and Genetics/Laboratory Corporation of America, LabCorp
Classification: Pathogenic for Developmental and epileptic encephalopathy, 29. Last evaluated: 2023-11-07. Review status: criteria provided, single submitter. Criteria: LabCorp Variant Classification Summary - May 2015. Collection method: clinical testing. Allele origin: germline.
Comment: Variant summary: AARS1 c.1980dupT (p.Glu661X) results in a premature termination codon, predicted to cause a truncation of the encoded protein or absence of the protein due to nonsense mediated decay, which are commonly known mechanisms for disease. The variant was absent in 251448 control chromosomes. To our knowledge, no occurrence of c.1980dupT in individuals affected with AARS1-related conditions and no experimental evidence demonstrating its impact on protein function have been reported. No submitters have cited clinical-significance assessments for this variant to ClinVar after 2014. Based on the evidence outlined above, the variant was classified as pathogenic.

NM_001605.3(AARS1):c.1980dup (p.Glu661Ter)

Gene: AARS1 (alanyl-tRNA synthetase 1; minus strand). Cytogenetic location: 16q22.1.
Variant type: Duplication.
Coding change: c.1980dup on transcript NM_001605.3 (MANE Select); coding-DNA position 1980, one base duplicated (T; older notation c.1980dupT).
Protein change: p.Glu661Ter; replaces glutamic acid 661 with a stop codon.
Molecular consequence: nonsense.
Genome position (GRCh38, 1-based): chr16:70,258,992, A duplicated on the plus strand (T on the coding strand, the reverse complement: AARS1 is on the minus strand); the first of 2 consecutive A bases (chr16:70,258,992-70,258,993); duplicating either gives the same sequence. VCF-style (leftmost placement, unchanged base first): chr16-70258991-C-CA. GRCh37 (hg19) VCF-style: chr16-70292894-C-CA.
Other names: c.1980dupT (NM_001605.3); short protein forms E661*.
Identifiers: ClinVar variation 2682367 (VCV002682367.1), dbSNP rs2506997702, ClinGen allele CA2697555933.